The following is an entry in ClinVar:

NM_020987.5(ANK3):c.86G>A (p.Arg29His)

Gene: ANK3 (ankyrin 3; minus strand). Cytogenetic location: 10q21.2.
Variant type: single nucleotide variant.
Coding change: c.86G>A on transcript NM_020987.5 (MANE Select); coding-DNA position 86, G replaced by A.
Protein change: p.Arg29His; replaces arginine 29 with histidine.
Molecular consequence: missense variant. On other transcripts: intron variant (2).
Genome position (GRCh38, 1-based): chr10:60,389,453, C>T on the plus strand (G>A on the coding strand, the complement: ANK3 is on the minus strand). VCF-style: chr10-60389453-C-T. GRCh37 (hg19) VCF-style: chr10-62149211-C-T.
Other names: c.86G>A, p.Arg29His (NM_001320874.2); c.97-109814G>A (NM_001204403.2); c.64-109814G>A (NM_001204404.2); short protein forms R29H.
Identifiers: ClinVar variation 3622159 (VCV003622159.3).

ClinVar aggregate classification (germline): Uncertain significance. Review status: criteria provided, multiple submitters, no conflicts (2 of 4 stars). 2 submissions from 2 submitters: Uncertain significance (2). Last evaluated 2024-02-09.

Submissions (2):

Labcorp Genetics (formerly Invitae), Labcorp
Classification: Uncertain significance. Last evaluated: 2024-02-09. Review status: criteria provided, single submitter. Criteria: Invitae Variant Classification Sherloc (09022015). Collection method: clinical testing. Allele origin: germline.
Comment: This sequence change replaces arginine, which is basic and polar, with histidine, which is basic and polar, at codon 29 of the ANK3 protein (p.Arg29His). This variant is present in population databases (rs373407780, gnomAD 0.02%). This variant has not been reported in the literature in individuals affected with ANK3-related conditions. An algorithm developed to predict the effect of missense changes on protein structure and function (PolyPhen-2) suggests that this variant is likely to be disruptive. In summary, the available evidence is currently insufficient to determine the role of this variant in disease. Therefore, it has been classified as a Variant of Uncertain Significance.

Blueprint Genetics
Classification: Uncertain significance. Last evaluated: 2022-04-08. Review status: criteria provided, single submitter. Criteria: ACMG Guidelines, 2015. Collection method: clinical testing. Allele origin: germline.